The following is an entry in ClinVar:

ClinVar aggregate classification (germline): Uncertain significance (1 of 4 stars; one submission).

Conditions:
Fanconi anemia (FA). Also called: Fanconi's anemia. Identifiers: Orphanet 84, MedGen C0015625, MeSH D005199, MONDO:0019391.

Submission:

Labcorp Genetics (formerly Invitae), Labcorp
Classification: Uncertain significance for Fanconi anemia. Last evaluated: 2023-06-15. Review status: criteria provided, single submitter. Criteria: Invitae Variant Classification Sherloc (09022015). Collection method: clinical testing. Allele origin: germline.
Comment: In summary, the available evidence is currently insufficient to determine the role of this variant in disease. Therefore, it has been classified as a Variant of Uncertain Significance. This variant has not been reported in the literature in individuals affected with FANCC-related conditions. This variant is a gross deletion of the genomic region encompassing exon(s) 14 of the FANCC gene. This variant would be expected to be in-frame, preserving the integrity of the reading frame.

NC_000009.12:g.(?_95107056)_(95107279_?)del

Genes: AOPEP (aminopeptidase O (putative); plus strand), FANCC (FA complementation group C; minus strand). Cytogenetic location: 9q22.32.
Variant type: Deletion.
Identifiers: ClinVar variation 662285 (VCV000662285.5).